The following is an entry in ClinVar:

NM_006736.6(DNAJB2):c.408CTT[1] (p.Phe138del)

Gene: DNAJB2 (DnaJ heat shock protein family (Hsp40) member B2; plus strand). Cytogenetic location: 2q35.
Variant type: Microsatellite.
Coding change: c.408CTT[1] on transcript NM_006736.6 (MANE Select); one copy of the 3-base unit CTT starting at c.408; the reference has two copies in a row; one copy, 3 bases deleted.
Protein change: p.Phe138del; deletes phenylalanine 138.
Molecular consequence: inframe deletion.
Genome position (GRCh38, 1-based): chr2:219,282,895-219,282,897, CTT deleted; deleting any 3 consecutive bases within chr2:219,282,892-219,282,897 gives the same sequence; the position shown is the placement nearest the transcript's 3' end. VCF-style (leftmost placement, unchanged base first): chr2-219282891-CCTT-C. GRCh37 (hg19) VCF-style: chr2-220147613-CCTT-C.
Other names: c.408CTT[1], p.Phe138del (NM_001039550.2); c.411_413del (NM_001039550.1); short protein forms F138del.
Identifiers: ClinVar variation 643812 (VCV000643812.11), dbSNP rs916480780, ClinGen allele CA65959186.

ClinVar aggregate classification (germline): Uncertain significance (1 of 4 stars; one submission).

Conditions:
Neuronopathy, distal hereditary motor, autosomal recessive 5. Also called: Spinal muscular atrophy, distal, autosomal recessive, 5; Young adult-onset distal hereditary motor neuropathy; NEUROPATHY, DISTAL HEREDITARY MOTOR, AUTOSOMAL RECESSIVE 5. Identifiers: Orphanet 314485, Orphanet 443950, MedGen C4749918, MONDO:0013947, OMIM 614881.

Submission:

Labcorp Genetics (formerly Invitae), Labcorp
Classification: Uncertain significance for Neuronopathy, distal hereditary motor, autosomal recessive 5. Last evaluated: 2023-10-03. Review status: criteria provided, single submitter. Criteria: Invitae Variant Classification Sherloc (09022015). Collection method: clinical testing. Allele origin: germline.
Comment: This variant, c.411_413del, results in the deletion of 1 amino acid(s) of the DNAJB2 protein (p.Phe138del), but otherwise preserves the integrity of the reading frame. This variant is not present in population databases (gnomAD no frequency). This variant has not been reported in the literature in individuals affected with DNAJB2-related conditions. ClinVar contains an entry for this variant (Variation ID: 643812). Experimental studies and prediction algorithms are not available or were not evaluated, and the functional significance of this variant is currently unknown. In summary, the available evidence is currently insufficient to determine the role of this variant in disease. Therefore, it has been classified as a Variant of Uncertain Significance.